The following is an entry in ClinVar:

ClinVar aggregate classification (germline): Uncertain significance (1 of 4 stars; one submission).

Submission:

Labcorp Genetics (formerly Invitae), Labcorp
Classification: Uncertain significance. Last evaluated: 2021-06-05. Review status: criteria provided, single submitter. Criteria: Invitae Variant Classification Sherloc (09022015). Collection method: clinical testing. Allele origin: germline.
Comment: In summary, the available evidence is currently insufficient to determine the role of this variant in disease. Therefore, it has been classified as a Variant of Uncertain Significance. Algorithms developed to predict the effect of missense changes on protein structure and function are either unavailable or do not agree on the potential impact of this missense change (SIFT: "Tolerated"; PolyPhen-2: "Probably Damaging"; Align-GVGD: "Class C0"). This variant has not been reported in the literature in individuals with POLE-related conditions. This variant is not present in population databases (ExAC no frequency). This sequence change replaces lysine with glutamine at codon 1115 of the POLE protein (p.Lys1115Gln). The lysine residue is highly conserved and there is a small physicochemical difference between lysine and glutamine.

NM_006231.4(POLE):c.3343A>C (p.Lys1115Gln)

Gene: POLE (DNA polymerase epsilon, catalytic subunit; minus strand). Cytogenetic location: 12q24.33.
Variant type: single nucleotide variant.
Coding change: c.3343A>C on transcript NM_006231.4 (MANE Select); coding-DNA position 3343, A replaced by C.
Protein change: p.Lys1115Gln; replaces lysine 1115 with glutamine.
Molecular consequence: missense variant.
Genome position (GRCh38, 1-based): chr12:132,657,903, T>G on the plus strand (A>C on the coding strand, the complement: POLE is on the minus strand). VCF-style: chr12-132657903-T-G. GRCh37 (hg19) VCF-style: chr12-133234489-T-G.
Other names: short protein forms K1115Q.
Identifiers: ClinVar variation 962822 (VCV000962822.9), dbSNP rs2042581768, ClinGen allele CA387389650.